The following is an entry in ClinVar:

ClinVar aggregate classification (germline): Benign/Likely benign. Review status: criteria provided, multiple submitters, no conflicts (2 of 4 stars). 4 submissions from 4 submitters: Benign (1); Likely benign (3). Last evaluated 2026-01-27.

Conditions:
Isolated focal non-epidermolytic palmoplantar keratoderma. Also called: Palmoplantar keratoderma, nonepidermolytic, focal 2. Identifiers: Orphanet 448264, MedGen C4225339, MONDO:0014622, OMIM 616400.

Allele frequency attached by ClinVar (database versions not stated): 1000 Genomes Project 30x 0.00031; 1000 Genomes Project 0.00040; gnomAD 0.00124 and 0.00130; TOPMed 0.00136; ESP Exome Variant Server 0.00215.
gnomAD v4.1: 3,197 of 1,614,264 alleles (0.2%); highest among the groups gnomAD compares: Non-Finnish European, 0.25%; 4 homozygotes.

Submissions (4):

Labcorp Genetics (formerly Invitae), Labcorp
Classification: Likely benign. Last evaluated: 2026-01-27. Review status: criteria provided, single submitter. Criteria: Invitae Variant Classification Sherloc (09022015). Collection method: clinical testing. Allele origin: germline.

Blueprint Genetics
Classification: Likely benign. Last evaluated: 2024-11-27. Review status: criteria provided, single submitter. Criteria: ACMG Guidelines, 2015. Collection method: clinical testing. Allele origin: germline.

Illumina Laboratory Services, Illumina
Classification: Benign for Isolated focal non-epidermolytic palmoplantar keratoderma. Last evaluated: 2018-01-12. Review status: criteria provided, single submitter. Criteria: ICSL Variant Classification Criteria 13 December 2019. Collection method: clinical testing. Allele origin: germline.
Comment: This variant was observed in the ICSL laboratory as part of a predisposition screen in an ostensibly healthy population. It had not been previously curated by ICSL or reported in the Human Gene Mutation Database (HGMD: prior to June 1st, 2018), and was therefore a candidate for classification through an automated scoring system. Utilizing variant allele frequency, disease prevalence and penetrance estimates, and inheritance mode, an automated score was calculated to assess if this variant is too frequent to cause the disease. Based on the score and internal cut-off values, a variant classified as benign is not then subjected to further curation. The score for this variant resulted in a classification of benign for this disease.

Breakthrough Genomics
Classification: Likely benign. Review status: criteria provided, single submitter. Criteria: ACMG Guidelines, 2015. Collection method: not provided. Allele origin: germline. Inheritance: Autosomal dominant inheritance. Affected: yes.

NM_145068.4(TRPV3):c.958A>G (p.Met320Val)

Gene: TRPV3 (transient receptor potential cation channel subfamily V member 3; minus strand). Cytogenetic location: 17p13.2.
Variant type: single nucleotide variant.
Coding change: c.958A>G on transcript NM_145068.4 (MANE Select); coding-DNA position 958, A replaced by G.
Protein change: p.Met320Val; replaces methionine 320 with valine.
Molecular consequence: missense variant.
Genome position (GRCh38, 1-based): chr17:3,532,764, T>C on the plus strand (A>G on the coding strand, the complement: TRPV3 is on the minus strand). VCF-style: chr17-3532764-T-C. GRCh37 (hg19) VCF-style: chr17-3436058-T-C.
Other names: c.958A>G, p.Met320Val (NM_001258205.2); short protein forms M320V.
Identifiers: ClinVar variation 322782 (VCV000322782.15), dbSNP rs142326624, ClinGen allele CA8289654.